The following is an entry in ClinVar:

NM_139276.3(STAT3):c.979C>T (p.Pro327Ser)

Gene: STAT3 (signal transducer and activator of transcription 3; minus strand). Cytogenetic location: 17q21.2.
Variant type: single nucleotide variant.
Coding change: c.979C>T on transcript NM_139276.3 (MANE Select); coding-DNA position 979, C replaced by T.
Protein change: p.Pro327Ser; replaces proline 327 with serine.
Molecular consequence: missense variant.
Genome position (GRCh38, 1-based): chr17:42,333,743, G>A on the plus strand (C>T on the coding strand, the complement: STAT3 is on the minus strand). VCF-style: chr17-42333743-G-A. GRCh37 (hg19) VCF-style: chr17-40485761-G-A.
Other names: c.979C>T, p.Pro327Ser (NM_001369516.1, NM_001369517.1, NM_001369518.1 and 15 more transcripts); c.901C>T, p.Pro301Ser (NM_001384985.1); c.883C>T, p.Pro295Ser (NM_001384989.1); short protein forms P327S, P295S, P301S.
Identifiers: ClinVar variation 2953919 (VCV002953919.3), dbSNP rs759527569, ClinGen allele CA399590752.

ClinVar aggregate classification (germline): Uncertain significance (1 of 4 stars; one submission).

Conditions:
STAT3 gain of function. Identifiers: MedGen C4288261.
Hyper-IgE recurrent infection syndrome 1, autosomal dominant. Also called: STAT3 Hyper IgE Syndrome; Hyper-IgE recurrent infection syndrome 1; JOB SYNDROME; HYPER-IgE SYNDROME 1, AUTOSOMAL DOMINANT, WITH RECURRENT INFECTIONS; Job's Syndrome. Identifiers: Orphanet 2314, MedGen C2936739, MONDO:0007818, OMIM 147060.

Submission:

Labcorp Genetics (formerly Invitae), Labcorp
Classification: Uncertain significance for STAT3 gain of function; Hyper-IgE recurrent infection syndrome 1, autosomal dominant. Last evaluated: 2023-11-15. Review status: criteria provided, single submitter. Criteria: Invitae Variant Classification Sherloc (09022015). Collection method: clinical testing. Allele origin: germline.
Comment: This sequence change replaces proline, which is neutral and non-polar, with serine, which is neutral and polar, at codon 327 of the STAT3 protein (p.Pro327Ser). This variant is not present in population databases (gnomAD no frequency). This variant has not been reported in the literature in individuals affected with STAT3-related conditions. Advanced modeling of protein sequence and biophysical properties (such as structural, functional, and spatial information, amino acid conservation, physicochemical variation, residue mobility, and thermodynamic stability) performed at Invitae indicates that this missense variant is expected to disrupt STAT3 protein function with a positive predictive value of 80%. In summary, the available evidence is currently insufficient to determine the role of this variant in disease. Therefore, it has been classified as a Variant of Uncertain Significance.